The following is an entry in ClinVar:

NM_001614.5(ACTG1):c.364-20C>T

Gene: ACTG1 (actin gamma 1; minus strand). Cytogenetic location: 17q25.3.
Variant type: single nucleotide variant.
Coding change: c.364-20C>T on transcript NM_001614.5 (MANE Select); 20 bases into the intron before coding-DNA position 364, C replaced by T.
Molecular consequence: intron variant.
Genome position (GRCh38, 1-based): chr17:81,511,646, G>A on the plus strand (C>T on the coding strand, the complement: ACTG1 is on the minus strand). VCF-style: chr17-81511646-G-A. GRCh37 (hg19) VCF-style: chr17-79478672-G-A.
Other names: c.364-20C>T (NM_001199954.3).
Identifiers: ClinVar variation 389540 (VCV000389540.6), dbSNP rs138210010, ClinGen allele CA8836104.

ClinVar aggregate classification (germline): Likely benign. Review status: criteria provided, multiple submitters, no conflicts (2 of 4 stars). 2 submissions from 2 submitters: Likely benign (2). Last evaluated 2025-08-29.

Conditions:
Autosomal dominant nonsyndromic hearing loss 20. Identifiers: Orphanet 90635, MedGen C1858172, MONDO:0011480, OMIM 604717.
Baraitser-winter syndrome 2. Identifiers: Orphanet 2995, MedGen C3281235, MONDO:0013812, OMIM 614583.

Allele frequency attached by ClinVar (database versions not stated): gnomAD 0.00008; TOPMed 0.00010; ESP Exome Variant Server 0.00015; 1000 Genomes Project 30x 0.00016; 1000 Genomes Project 0.00020.
gnomAD v4.1: 103 of 1,609,436 alleles (0.0064%); highest among the groups gnomAD compares: Middle Eastern, 0.033%; no homozygotes.

Submissions (2):

Labcorp Genetics (formerly Invitae), Labcorp
Classification: Likely benign for Baraitser-winter syndrome 2; Autosomal dominant nonsyndromic hearing loss 20. Last evaluated: 2025-08-29. Review status: criteria provided, single submitter. Criteria: Invitae Variant Classification Sherloc (09022015). Collection method: clinical testing. Allele origin: germline.

GeneDx
Classification: Likely benign. Last evaluated: 2016-09-27. Review status: criteria provided, single submitter. Criteria: GeneDx Variant Classification (06012015). Collection method: clinical testing. Allele origin: germline. Affected: yes.
Comment: This variant is considered likely benign or benign based on one or more of the following criteria: it is a conservative change, it occurs at a poorly conserved position in the protein, it is predicted to be benign by multiple in silico algorithms, and/or has population frequency not consistent with disease.